The following is an entry in ClinVar:

ClinVar aggregate classification (germline): Uncertain significance. Review status: criteria provided, multiple submitters, no conflicts (2 of 4 stars). 2 submissions from 2 submitters: Uncertain significance (2). Last evaluated 2025-08-20.

Conditions:
Retinal dystrophy. Also called: Inherited retinal dystrophy. Identifiers: Orphanet 71862, MedGen C0854723, MeSH D058499, MONDO:0019118, HP:0000556.
Deficiency of mevalonate kinase. Also called: Mevalonate kinase deficiency. Identifiers: Orphanet 309025, MedGen C0342731, MONDO:0017708.

Allele frequency attached by ClinVar (database versions not stated): gnomAD 0.00001; gnomAD exomes 0.00001; TOPMed 0.00003.
gnomAD v4.1: 6 of 1,614,132 alleles (0.00037%); highest among the groups gnomAD compares: East Asian, 0.0089%; no homozygotes.

Submissions (2):

Myriad Genetics, Inc.
Classification: Uncertain significance for Deficiency of mevalonate kinase. Last evaluated: 2025-08-20. Review status: criteria provided, single submitter. Criteria: Myriad Autosomal Dominant, Autosomal Recessive and X-Linked Classification Criteria (2023). Collection method: clinical testing. Allele origin: unknown.
Comment: NM_000431.2(MVK):c.235G>T(D79Y) is a missense variant classified as a variant of uncertain significance in the context of mevalonate kinase deficiency. D79Y has not been observed in cases with relevant disease. Relevant functional assessments of this variant are not available in the literature. D79Y has been observed in referenced population frequency databases. In summary, there is insufficient evidence to classify NM_000431.2(MVK):c.235G>T(D79Y) as pathogenic or benign. Please note: this variant was assessed in the context of healthy population screening.

Dept Of Ophthalmology, Nagoya University
Classification: Uncertain significance for Retinal dystrophy. Last evaluated: 2023-10-01. Review status: criteria provided, single submitter. Criteria: Submitter's publication. Collection method: research. Allele origin: germline. Affected: yes.

NM_000431.4(MVK):c.235G>T (p.Asp79Tyr)

Gene: MVK (mevalonate kinase; plus strand). Cytogenetic location: 12q24.11.
Variant type: single nucleotide variant.
Coding change: c.235G>T on transcript NM_000431.4 (MANE Select); coding-DNA position 235, G replaced by T.
Protein change: p.Asp79Tyr; replaces aspartic acid 79 with tyrosine.
Molecular consequence: missense variant. On other transcripts: 5 prime UTR variant (1), non-coding transcript variant (2).
Genome position (GRCh38, 1-based): chr12:109,579,810, G>T. VCF-style: chr12-109579810-G-T. GRCh37 (hg19) VCF-style: chr12-110017615-G-T.
Other names: c.235G>T, p.Asp79Tyr (NM_001114185.3, NM_001301182.2, NM_001414511.1 and 3 more transcripts); c.-348G>T (NM_001414515.1); short protein forms D79Y.
Identifiers: ClinVar variation 3028272 (VCV003028272.2), dbSNP rs1440506951, ClinGen allele CA386645145.
Genomic context (GRCh38, chr12:109,579,810, plus strand): 5'-GCACCAAAGTCCCTCTCACCCACTTGTGTTTGCTTGTTTGCCTGTGGAACAGAGCAAGGT[G>T]ATGTCACAACACCCACCTCAGAGCAAGTGGAGAAGCTAAAGGAGGTTGCAGGCTTGCCTG-3'
Protein context (NP_000422.1, residues 69-89): SLDTSFLEQG[Asp79Tyr]VTTPTSEQVE